The following is an entry in ClinVar:

ClinVar aggregate classification (germline): Uncertain significance (1 of 4 stars; one submission).

Submission:

Labcorp Genetics (formerly Invitae), Labcorp
Classification: Uncertain significance. Last evaluated: 2021-04-29. Review status: criteria provided, single submitter. Criteria: Invitae Variant Classification Sherloc (09022015). Collection method: clinical testing. Allele origin: germline.
Comment: This sequence change replaces glycine with alanine at codon 176 of the CTSK protein (p.Gly176Ala). The glycine residue is highly conserved and there is a small physicochemical difference between glycine and alanine. This variant is not present in population databases (ExAC no frequency). This variant has not been reported in the literature in individuals with CTSK-related conditions. Advanced modeling of protein sequence and biophysical properties (such as structural, functional, and spatial information, amino acid conservation, physicochemical variation, residue mobility, and thermodynamic stability) performed at Invitae indicates that this missense variant is expected to disrupt CTSK protein function. In summary, the available evidence is currently insufficient to determine the role of this variant in disease. Therefore, it has been classified as a Variant of Uncertain Significance.

NM_000396.4(CTSK):c.527G>C (p.Gly176Ala)

Gene: CTSK (cathepsin K; minus strand). Cytogenetic location: 1q21.3.
Variant type: single nucleotide variant.
Coding change: c.527G>C on transcript NM_000396.4 (MANE Select); coding-DNA position 527, G replaced by C.
Protein change: p.Gly176Ala; replaces glycine 176 with alanine.
Molecular consequence: missense variant.
Genome position (GRCh38, 1-based): chr1:150,804,112, C>G on the plus strand (G>C on the coding strand, the complement: CTSK is on the minus strand). VCF-style: chr1-150804112-C-G. GRCh37 (hg19) VCF-style: chr1-150776588-C-G.
Other names: short protein forms G176A.
Identifiers: ClinVar variation 1516217 (VCV001516217.8), dbSNP rs2101951513, ClinGen allele CA342336520.